The following is an entry in ClinVar:

ClinVar aggregate classification (germline): Pathogenic (1 of 4 stars; one submission).

Conditions:
Leber congenital amaurosis 8 (LCA8). Identifiers: Orphanet 65, MedGen C3151202, MONDO:0013453, OMIM 613835.
Retinitis pigmentosa 12 (RP12). Also called: RP WITH OR WITHOUT PRESERVED PARAARTERIOLE RETINAL PIGMENT EPITHELIUM; RETINITIS PIGMENTOSA WITH OR WITHOUT PARAARTERIOLAR PRESERVATION OF RETINAL PIGMENT EPITHELIUM; RP WITH OR WITHOUT PPRPE. Identifiers: Orphanet 791, MedGen C1838647, MONDO:0010818, OMIM 600105.

Submission:

Labcorp Genetics (formerly Invitae), Labcorp
Classification: Pathogenic for Leber congenital amaurosis 8; Retinitis pigmentosa 12. Last evaluated: 2023-12-13. Review status: criteria provided, single submitter. Criteria: Invitae Variant Classification Sherloc (09022015). Collection method: clinical testing. Allele origin: germline.
Comment: This sequence change creates a premature translational stop signal (p.Cys1223Leufs*9) in the CRB1 gene. It is expected to result in an absent or disrupted protein product. Loss-of-function variants in CRB1 are known to be pathogenic (PMID: 10508521, 22065545, 23379534, 25412400, 26957898, 28041643, 29391521). This variant is not present in population databases (gnomAD no frequency). This variant has not been reported in the literature in individuals affected with CRB1-related conditions. For these reasons, this variant has been classified as Pathogenic.

Literature cited by the submitters: PubMed 10508521; PubMed 22065545; PubMed 23379534; PubMed 25412400; PubMed 26957898; PubMed 28041643; PubMed 29391521.

NM_201253.3(CRB1):c.3667dup (p.Cys1223fs)

Gene: CRB1 (crumbs cell polarity complex component 1; plus strand). Cytogenetic location: 1q31.3.
Variant type: Duplication.
Coding change: c.3667dup on transcript NM_201253.3 (MANE Select); coding-DNA position 3667, one base duplicated (T; older notation c.3667dupT).
Protein change: p.Cys1223fs; shifts the reading frame from cysteine 1223.
Molecular consequence: frameshift variant. On other transcripts: non-coding transcript variant (2), intron variant (1).
Genome position (GRCh38, 1-based): chr1:197,435,530, T duplicated. VCF-style (leftmost placement, unchanged base first): chr1-197435529-G-GT. GRCh37 (hg19) VCF-style: chr1-197404659-G-GT.
Other names: c.3331dup, p.Cys1111fs (NM_001193640.2); c.3595dup, p.Cys1199fs (NM_001257965.2); c.2129-70dup (NM_001257966.2); short protein forms C1223fs, C1111fs, C1199fs.
Identifiers: ClinVar variation 2921386 (VCV002921386.3), dbSNP rs2528204854, ClinGen allele CA2740090450.